The following is an entry in ClinVar:

NM_001024630.4(RUNX2):c.*2263C>T

Gene: RUNX2 (RUNX family transcription factor 2; plus strand). Cytogenetic location: 6p21.1.
Variant type: single nucleotide variant.
Coding change: c.*2263C>T on transcript NM_001024630.4 (MANE Select); 2263 bases downstream of the stop codon, C replaced by T.
Molecular consequence: 3 prime UTR variant.
Genome position (GRCh38, 1-based): chr6:45,549,568, C>T. VCF-style: chr6-45549568-C-T. GRCh37 (hg19) VCF-style: chr6-45517305-C-T.
Other names: c.*2263C>T (NM_001015051.4, NM_001278478.2, NM_001369405.1 and 1 more transcripts).
Identifiers: ClinVar variation 2575900 (VCV002575900.2), dbSNP rs2481029286, ClinGen allele CA2580614896.

ClinVar aggregate classification (germline): Uncertain significance (1 of 4 stars; one submission).

Conditions:
Orofacial cleft 1 (OFC1). Also called: Nonsyndromic Cleft Lip/Palate; CLEFT LIP WITH OR WITHOUT CLEFT PALATE, NONSYNDROMIC, 1; OROFACIAL CLEFT, NONSYNDROMIC. Identifiers: MedGen C1861537, MeSH C566121, MONDO:0007335, OMIM 119530.

Allele frequency attached by ClinVar (database versions not stated): gnomAD exomes below 0.00001.
gnomAD v4.1: 1 of 394,270 alleles (0.00025%); highest among the groups gnomAD compares: Admixed American, 0.0044%; no homozygotes.

Submission:

Grupo de Genetica Humana, Facultad de Medicina - Universidad de La Sabana
Classification: Uncertain significance for Orofacial cleft 1. Last evaluated: 2022-11-22. Review status: criteria provided, single submitter. Criteria: ACMG Guidelines, 2015. Collection method: research. Allele origin: germline. Affected: yes and no. Observed: 4 variant alleles.
Comment: VUS in a conserved region of exon 9 of RUNX2 gene, which encodes a member of the RUNX transcription factor family. Variants in these gene have been implicated with cleidocranial dysplasia (CCD), a congenital disorder affecting bone and cartilage development, which sometimes presents with orofacial clefts.

Literature cited by the submitters: DOI:10.3390/IJMS23105776; DOI:10.1007/S13258-022-01229-W.